The following is an entry in ClinVar:

NM_000719.7(CACNA1C):c.2067C>T (p.Phe689=)

Gene: CACNA1C (calcium voltage-gated channel subunit alpha1 C; plus strand). Cytogenetic location: 12p13.33.
Variant type: single nucleotide variant.
Coding change: c.2067C>T on transcript NM_000719.7 (MANE Select); coding-DNA position 2067, C replaced by T.
Protein change: p.Phe689=; no amino-acid change (phenylalanine 689 retained).
Molecular consequence: synonymous variant.
Genome position (GRCh38, 1-based): chr12:2,581,761, C>T. VCF-style: chr12-2581761-C-T. GRCh37 (hg19) VCF-style: chr12-2690927-C-T.
Other names: c.2067C>T, p.Phe689= (NM_001129827.2, NM_001129829.2, NM_001129830.3 and 18 more transcripts); c.2058C>T, p.Phe686= (NM_001129844.2); c.2067C>T (NM_199460.3).
Identifiers: ClinVar variation 190612 (VCV000190612.63), dbSNP rs112170830, ClinGen allele CA301104.

ClinVar aggregate classification (germline): Benign/Likely benign. Review status: criteria provided, multiple submitters, no conflicts (2 of 4 stars). 10 submissions from 10 submitters: Benign (1); Likely benign (7). 2 of the submissions do not count toward it. Last evaluated 2026-02-03.

Conditions:
Cardiovascular phenotype. Identifiers: MedGen CN230736.
CACNA1C-related disorder. Also called: CACNA1C-related condition; CACNA1C-related disorders. Identifiers: MedGen CN381092, MONDO:0700321.
Long QT syndrome (LQTS). Identifiers: MedGen C0023976, MeSH D008133, MONDO:0002442. Disease mechanism: loss of function. Inheritance: Various modes of inheritance.

Allele frequency attached by ClinVar (database versions not stated): gnomAD exomes 0.00017 and 0.00019; ExAC 0.00020; gnomAD 0.00020 and 0.00021; TOPMed 0.00022; ESP Exome Variant Server 0.00031.
gnomAD v4.1: 303 of 1,612,234 alleles (0.019%); highest among the groups gnomAD compares: Middle Eastern, 0.05%; no homozygotes.

Submissions (10):

Labcorp Genetics (formerly Invitae), Labcorp
Classification: Likely benign for Long QT syndrome. Last evaluated: 2026-02-03. Review status: criteria provided, single submitter. Criteria: Invitae Variant Classification Sherloc (09022015). Collection method: clinical testing. Allele origin: germline.

PreventionGenetics, part of Exact Sciences
Classification: Likely benign for CACNA1C-related condition. Last evaluated: 2025-12-18. Review status: criteria provided, single submitter. Criteria: ACMG Guidelines, 2015. Collection method: clinical testing. Allele origin: germline.
Comment: This variant is classified as likely benign based on ACMG/AMP sequence variant interpretation guidelines (Richards et al. 2015 PMID: 25741868, with internal and published modifications).

Molecular Diagnostic Laboratory for Inherited Cardiovascular Disease, Montreal Heart Institute
Classification: Likely benign. Last evaluated: 2025-04-09. Review status: criteria provided, single submitter. Criteria: ACMG Guidelines, 2015. Collection method: clinical testing. Allele origin: germline. Affected: no.

CeGaT Center for Human Genetics Tuebingen
Classification: Likely benign. Last evaluated: 2025-03-01. Review status: criteria provided, single submitter. Criteria: CeGaT Center For Human Genetics Tuebingen Variant Classification Criteria Version 2. Collection method: clinical testing. Allele origin: germline. Affected: yes. Observed: 3 variant alleles.
Comment: CACNA1C: BP4, BP7

Blueprint Genetics
Classification: Likely benign. Last evaluated: 2024-11-11. Review status: criteria provided, single submitter. Criteria: ACMG Guidelines, 2015. Collection method: clinical testing. Allele origin: germline.

Women's Health and Genetics/Laboratory Corporation of America, LabCorp
Classification: Benign. Last evaluated: 2022-08-20. Review status: criteria provided, single submitter. Criteria: LabCorp Variant Classification Summary - May 2015. Collection method: clinical testing. Allele origin: germline.

Ambry Genetics
Classification: Likely benign for Cardiovascular phenotype. Last evaluated: 2017-03-29. Review status: criteria provided, single submitter. Criteria: Ambry Variant Classification Scheme 2023. Collection method: clinical testing. Allele origin: germline.

Breakthrough Genomics
Classification: Likely benign. Review status: criteria provided, single submitter. Criteria: ACMG Guidelines, 2015. Collection method: not provided. Allele origin: germline. Inheritance: Autosomal dominant inheritance. Affected: yes.

Clinical Genetics, Academic Medical Center
Classification: Benign. Review status: no assertion criteria provided. Collection method: clinical testing. Allele origin: germline. Affected: yes. Study: VKGL Data-share Consensus. Not counted in ClinVar's aggregate classification.

Joint Genome Diagnostic Labs from Nijmegen and Maastricht, Radboudumc and MUMC+
Classification: Likely benign. Review status: no assertion criteria provided. Collection method: clinical testing. Allele origin: germline. Affected: yes. Study: VKGL Data-share Consensus. Not counted in ClinVar's aggregate classification.